The following is an entry in ClinVar:

NM_001394998.1(TANC2):c.3956C>T (p.Ser1319Phe)

Genes: TANC2 (tetratricopeptide repeat, ankyrin repeat and coiled-coil containing 2; plus strand), LOC105371856 (uncharacterized LOC105371856; minus strand). Cytogenetic location: 17q23.3.
Variant type: single nucleotide variant.
Coding change: c.3956C>T on transcript NM_001394998.1 (MANE Select); coding-DNA position 3956, C replaced by T.
Protein change: p.Ser1319Phe; replaces serine 1319 with phenylalanine.
Molecular consequence: missense variant.
Genome position (GRCh38, 1-based): chr17:63,413,570, C>T. VCF-style: chr17-63413570-C-T. GRCh37 (hg19) VCF-style: chr17-61490931-C-T.
Other names: c.3734C>T, p.Ser1245Phe (NM_001411076.1); c.3704C>T, p.Ser1235Phe (NM_025185.4); short protein forms S1235F, S1319F, S1245F.
Identifiers: ClinVar variation 3324363 (VCV003324363.2).

ClinVar aggregate classification (germline): Uncertain significance. Review status: criteria provided, multiple submitters, no conflicts (2 of 4 stars). 2 submissions from 2 submitters: Uncertain significance (2). Last evaluated 2024-12-12.

Conditions:
Inborn genetic diseases. Identifiers: MedGen C0950123, MeSH D030342.
TANC2-related disorder. Also called: TANC2-related condition.

Submissions (2):

PreventionGenetics, part of Exact Sciences
Classification: Uncertain significance for TANC2-related condition. Last evaluated: 2024-12-12. Review status: criteria provided, single submitter. Criteria: ACMG Guidelines, 2015. Collection method: clinical testing. Allele origin: germline.
Comment: The TANC2 c.3704C>T variant is predicted to result in the amino acid substitution p.Ser1235Phe. To our knowledge, this variant has not been reported in the literature or in a large population database (gnomAD), indicating this variant is rare. At this time, the clinical significance of this variant is uncertain due to the absence of conclusive functional and genetic evidence.

Ambry Genetics
Classification: Uncertain significance for Inborn genetic diseases. Last evaluated: 2024-06-22. Review status: criteria provided, single submitter. Criteria: Ambry Variant Classification Scheme 2023. Collection method: clinical testing. Allele origin: germline.